The following is an entry in ClinVar:

ClinVar aggregate classification (germline): Pathogenic (1 of 4 stars; one submission).

Conditions:
Pulmonary hypertension, primary, 2. Identifiers: MedGen C3888002, MONDO:0014134, OMIM 615342, Orphanet 422.

Submission:

Labcorp Genetics (formerly Invitae), Labcorp
Classification: Pathogenic for Pulmonary hypertension, primary, 2. Last evaluated: 2025-04-11. Review status: criteria provided, single submitter. Criteria: Invitae Variant Classification Sherloc (09022015). Collection method: clinical testing. Allele origin: germline.
Comment: This sequence change creates a premature translational stop signal (p.Cys68Trpfs*47) in the SMAD9 gene. It is expected to result in an absent or disrupted protein product. Loss-of-function variants in SMAD9 are known to be pathogenic (PMID: 19419974, 31727138). This variant is not present in population databases (gnomAD no frequency). This variant has not been reported in the literature in individuals affected with SMAD9-related conditions. ClinVar contains an entry for this variant (Variation ID: 3678444). For these reasons, this variant has been classified as Pathogenic.

Literature cited by the submitters: PubMed 19419974; PubMed 31727138.

NM_001127217.3(SMAD9):c.203dup (p.Cys68fs)

Gene: SMAD9 (SMAD family member 9; minus strand). Cytogenetic location: 13q13.3.
Variant type: Duplication.
Coding change: c.203dup on transcript NM_001127217.3 (MANE Select); coding-DNA position 203, one base duplicated (G; older notation c.203dupG).
Protein change: p.Cys68fs; shifts the reading frame from cysteine 68.
Molecular consequence: frameshift variant.
Genome position (GRCh38, 1-based): chr13:36,879,487, C duplicated on the plus strand (G on the coding strand, the reverse complement: SMAD9 is on the minus strand). VCF-style (leftmost placement, unchanged base first): chr13-36879486-G-GC. GRCh37 (hg19) VCF-style: chr13-37453623-G-GC.
Other names: c.203dup, p.Cys68fs (NM_001378621.1, NM_005905.6); short protein forms C68fs.
Identifiers: ClinVar variation 3678444 (VCV003678444.2).